The following is an entry in ClinVar:

NM_005359.6(SMAD4):c.554C>T (p.Pro185Leu)

Gene: SMAD4 (SMAD family member 4; plus strand). Cytogenetic location: 18q21.2.
Variant type: single nucleotide variant.
Coding change: c.554C>T on transcript NM_005359.6 (MANE Select); coding-DNA position 554, C replaced by T.
Protein change: p.Pro185Leu; replaces proline 185 with leucine.
Molecular consequence: missense variant.
Genome position (GRCh38, 1-based): chr18:51,054,880, C>T. VCF-style: chr18-51054880-C-T. GRCh37 (hg19) VCF-style: chr18-48581250-C-T.
Other names: short protein forms P185L.
Identifiers: ClinVar variation 240150 (VCV000240150.24), dbSNP rs770798845, ClinGen allele CA8965829.

ClinVar aggregate classification (germline): Conflicting classifications of pathogenicity. Review status: criteria provided, conflicting classifications (1 of 4 stars). 7 submissions from 7 submitters: Uncertain significance (6); Benign (1). Last evaluated 2026-03-13.

Conditions:
Familial thoracic aortic aneurysm and aortic dissection (TAAD). Also called: Thoracic aortic aneurysms and dissections. Identifiers: Orphanet 91387, MedGen C4707243, MONDO:0019625.
Hereditary cancer-predisposing syndrome. Also called: Hereditary Cancer Syndrome; Tumor predisposition; Hereditary neoplastic syndrome; Neoplastic Syndromes, Hereditary. Identifiers: Orphanet 140162, MedGen C0027672, MeSH D009386, MONDO:0015356.
Juvenile polyposis syndrome (JPS). Identifiers: Orphanet 2929, MedGen C0345893, MONDO:0017380, OMIM 174900.
Juvenile polyposis/hereditary hemorrhagic telangiectasia syndrome (JPHT). Also called: Juvenile Polyposis Syndrome / Hereditary Hemorrhagic Telangiectasia (JPS/HHT); JP/HHT SYNDROME; JUVENILE POLYPOSIS WITH HEREDITARY HEMORRHAGIC TELANGIECTASIA; POLYPOSIS, GENERALIZED JUVENILE, WITH PULMONARY ARTERIOVENOUS MALFORMATION; TELANGIECTASIA, HEREDITARY HEMORRHAGIC, WITH JUVENILE POLYPOSIS COLI. Identifiers: Orphanet 2929, MedGen C1832942, MONDO:0008278, OMIM 175050.

Allele frequency attached by ClinVar (database versions not stated): gnomAD 0.00001; ExAC 0.00002; gnomAD exomes 0.00002; TOPMed 0.00002.
gnomAD v4.1: 4 of 1,613,904 alleles (0.00025%); highest among the groups gnomAD compares: East Asian, 0.0089%; no homozygotes.

Submissions (7):

GeneDx
Classification: Uncertain significance. Last evaluated: 2026-03-13. Review status: criteria provided, single submitter. Criteria: GeneDx Variant Classification Process June 2021. Collection method: clinical testing. Allele origin: germline.
Comment: Not observed at significant frequency in large population cohorts (gnomAD); In silico analysis supports that this missense variant has a deleterious effect on protein structure/function; This variant is associated with the following publications: (PMID: 28199989, 15235019, 18823382, 22992590, 32068069, 36243179, 38456936, 38473983)

Labcorp Genetics (formerly Invitae), Labcorp
Classification: Uncertain significance for Juvenile polyposis syndrome. Last evaluated: 2026-01-20. Review status: criteria provided, single submitter. Criteria: Invitae Variant Classification Sherloc (09022015). Collection method: clinical testing. Allele origin: germline.
Comment: This sequence change replaces proline, which is neutral and non-polar, with leucine, which is neutral and non-polar, at codon 185 of the SMAD4 protein (p.Pro185Leu). This variant is present in population databases (rs770798845, gnomAD 0.02%). This variant has not been reported in the literature in individuals affected with SMAD4-related conditions. ClinVar contains an entry for this variant (Variation ID: 240150). Invitae Evidence Modeling of protein sequence and biophysical properties (such as structural, functional, and spatial information, amino acid conservation, physicochemical variation, residue mobility, and thermodynamic stability) has been performed for this missense variant. However, the output from this modeling did not meet the statistical confidence thresholds required to predict the impact of this variant on SMAD4 protein function. In summary, the available evidence is currently insufficient to determine the role of this variant in disease. Therefore, it has been classified as a Variant of Uncertain Significance.

Women's Health and Genetics/Laboratory Corporation of America, LabCorp
Classification: Uncertain significance. Last evaluated: 2025-04-17. Review status: criteria provided, single submitter. Criteria: LabCorp Variant Classification Summary - May 2015. Collection method: clinical testing. Allele origin: germline.
Comment: Variant summary: SMAD4 c.554C>T (p.Pro185Leu) results in a non-conservative amino acid change in the encoded protein sequence. Three of five in-silico tools predict a benign effect of the variant on protein function. The variant allele was found at a frequency of 1.6e-05 in 251488 control chromosomes. The available data on variant occurrences in the general population are insufficient to allow any conclusion about variant significance. c.554C>T has been reported in the literature in multiple non-cancer control cohorts (e.g. Youssef_2017, Okawa_2023) and in at least one individual at high risk for breast/ovarian cancer (e.g. Kwong_2020). To our knowledge, no experimental evidence demonstrating an impact on protein function has been reported. The following publications have been ascertained in the context of this evaluation (PMID: 32068069, 36243179, 38456936, 38473983, 28199989). ClinVar contains an entry for this variant (Variation ID: 240150). Based on the evidence outlined above, the variant was classified as uncertain significance.

Color Diagnostics, LLC DBA Color Health
Classification: Uncertain significance for Hereditary cancer-predisposing syndrome. Last evaluated: 2023-09-13. Review status: criteria provided, single submitter. Criteria: ACMG Guidelines, 2015. Collection method: clinical testing. Allele origin: germline.
Comment: This missense variant replaces proline with leucine at codon 185 in the SMAD4 protein. Computational prediction suggests that this variant may not impact protein structure and function (internally defined REVEL score threshold <= 0.5, PMID: 27666373). To our knowledge, functional studies have not been reported for this variant. This variant has not been reported in individuals affected with SMAD4-related disorders in the literature. This variant has been identified in 4/251488 chromosomes in the general population by the Genome Aggregation Database (gnomAD). The available evidence is insufficient to determine the role of this variant in disease conclusively. Therefore, this variant is classified as a Variant of Uncertain Significance.

Baylor Genetics
Classification: Uncertain significance for Juvenile polyposis/hereditary hemorrhagic telangiectasia syndrome. Last evaluated: 2023-08-24. Review status: criteria provided, single submitter. Criteria: ACMG Guidelines, 2015. Collection method: clinical testing. Allele origin: unknown.

Ambry Genetics
Classification: Benign for Hereditary cancer-predisposing syndrome; Familial thoracic aortic aneurysm and aortic dissection. Last evaluated: 2023-08-23. Review status: criteria provided, single submitter. Criteria: Ambry Variant Classification Scheme 2023. Collection method: clinical testing. Allele origin: germline.

All of Us Research Program, National Institutes of Health
Classification: Uncertain significance for Juvenile polyposis/hereditary hemorrhagic telangiectasia syndrome. Last evaluated: 2023-06-28. Review status: criteria provided, single submitter. Criteria: ACMG Guidelines, 2015. Collection method: clinical testing. Allele origin: germline. Inheritance: Autosomal dominant inheritance. Observed: 1 variant allele, 1 heterozygote.
Comment: This study involves interpretation of variants in research participants for the purpose of population health screening. Participant phenotype was not available at the time of variant classification. Additional details can be found in publication PMID: 35346344, PMCID: PMC8962531

Literature cited by the submitters: PubMed 32068069 (cited by Women's Health and Genetics/Laboratory Corporation of America, LabCorp); PubMed 36243179 (cited by Women's Health and Genetics/Laboratory Corporation of America, LabCorp); PubMed 28199989 (cited by Women's Health and Genetics/Laboratory Corporation of America, LabCorp); PubMed 38456936 (cited by Women's Health and Genetics/Laboratory Corporation of America, LabCorp); PubMed 38473983 (cited by Women's Health and Genetics/Laboratory Corporation of America, LabCorp).